The following is an entry in ClinVar:

NM_001366385.1(CARD14):c.926G>A (p.Arg309Gln)

Gene: CARD14 (caspase recruitment domain family member 14; plus strand). Cytogenetic location: 17q25.3.
Variant type: single nucleotide variant.
Coding change: c.926G>A on transcript NM_001366385.1 (MANE Select); coding-DNA position 926, G replaced by A.
Protein change: p.Arg309Gln; replaces arginine 309 with glutamine.
Molecular consequence: missense variant. On other transcripts: non-coding transcript variant (1).
Genome position (GRCh38, 1-based): chr17:80,189,835, G>A. VCF-style: chr17-80189835-G-A. GRCh37 (hg19) VCF-style: chr17-78163634-G-A.
Other names: c.926G>A, p.Arg309Gln (NM_001257970.1, NM_024110.4); c.215G>A, p.Arg72Gln (NM_052819.3); short protein forms R309Q, R72Q.
Identifiers: ClinVar variation 2063623 (VCV002063623.4), dbSNP rs779808638, ClinGen allele CA8816577.

ClinVar aggregate classification (germline): Uncertain significance (1 of 4 stars; one submission).

Conditions:
Pityriasis rubra pilaris (PRP). Also called: Pityriasis rubra pilaris--familial type. Identifiers: Orphanet 2897, MedGen C0032027, MONDO:0100017, OMIM 173200, MONDO:0008251.
Psoriasis 2. Identifiers: MedGen C1864497, MONDO:0011269, OMIM 602723.

Allele frequency attached by ClinVar (database versions not stated): gnomAD exomes below 0.00001; ExAC 0.00001.

Submission:

Labcorp Genetics (formerly Invitae), Labcorp
Classification: Uncertain significance for Pityriasis rubra pilaris; Psoriasis 2. Last evaluated: 2024-01-16. Review status: criteria provided, single submitter. Criteria: Invitae Variant Classification Sherloc (09022015). Collection method: clinical testing. Allele origin: germline.
Comment: This sequence change replaces arginine, which is basic and polar, with glutamine, which is neutral and polar, at codon 309 of the CARD14 protein (p.Arg309Gln). This variant is present in population databases (rs779808638, gnomAD 0.001%). This variant has not been reported in the literature in individuals affected with CARD14-related conditions. ClinVar contains an entry for this variant (Variation ID: 2063623). Advanced modeling of protein sequence and biophysical properties (such as structural, functional, and spatial information, amino acid conservation, physicochemical variation, residue mobility, and thermodynamic stability) performed at Invitae indicates that this missense variant is expected to disrupt CARD14 protein function with a positive predictive value of 80%. In summary, the available evidence is currently insufficient to determine the role of this variant in disease. Therefore, it has been classified as a Variant of Uncertain Significance.